The following is an entry in ClinVar:

NM_006160.4(NEUROD2):c.944C>T (p.Ser315Phe)

Gene: NEUROD2 (neuronal differentiation 2; minus strand). Cytogenetic location: 17q12.
Variant type: single nucleotide variant.
Coding change: c.944C>T on transcript NM_006160.4 (MANE Select); coding-DNA position 944, C replaced by T.
Protein change: p.Ser315Phe; replaces serine 315 with phenylalanine.
Molecular consequence: missense variant.
Genome position (GRCh38, 1-based): chr17:39,605,656, G>A on the plus strand (C>T on the coding strand, the complement: NEUROD2 is on the minus strand). VCF-style: chr17-39605656-G-A. GRCh37 (hg19) VCF-style: chr17-37761909-G-A.
Other names: short protein forms S315F.
Identifiers: ClinVar variation 4979718 (VCV004979718.1).

ClinVar aggregate classification (germline): Uncertain significance (1 of 4 stars; one submission).

Conditions:
NEUROD2-related disorder. Also called: NEUROD2-related condition.

Submission:

PreventionGenetics, part of Exact Sciences
Classification: Uncertain significance for NEUROD2-related condition. Last evaluated: 2025-10-25. Review status: criteria provided, single submitter. Criteria: ACMG Guidelines, 2015. Collection method: clinical testing. Allele origin: germline.
Comment: The NEUROD2 c.944C>T variant is predicted to result in the amino acid substitution p.Ser315Phe. To our knowledge, this variant has not been reported in the literature. This variant is reported in 0.0016% of alleles in individuals of European (non-Finnish) descent in gnomAD. At this time, the clinical significance of this variant is uncertain due to the absence of conclusive functional and genetic evidence.